The following is an entry in ClinVar:

ClinVar aggregate classification (germline): Uncertain significance (1 of 4 stars; one submission).

Submission:

Labcorp Genetics (formerly Invitae), Labcorp
Classification: Uncertain significance. Last evaluated: 2025-08-13. Review status: criteria provided, single submitter. Criteria: Invitae Variant Classification Sherloc (09022015). Collection method: clinical testing. Allele origin: germline.
Comment: This variant, c.1422_1424del, results in the deletion of 1 amino acid(s) of the PLTP protein (p.Lys474del), but otherwise preserves the integrity of the reading frame. This variant is not present in population databases (gnomAD no frequency). This variant has not been reported in the literature in individuals affected with PLTP-related conditions. Experimental studies and prediction algorithms are not available or were not evaluated, and the functional significance of this variant is currently unknown. Algorithms developed to predict the effect of sequence changes on RNA splicing suggest that this variant may disrupt the consensus splice site. In summary, the available evidence is currently insufficient to determine the role of this variant in disease. Therefore, it has been classified as a Variant of Uncertain Significance.

NM_006227.4(PLTP):c.1419GAA[1] (p.Lys474del)

Gene: PLTP (phospholipid transfer protein; minus strand). Cytogenetic location: 20q13.12.
Variant type: Microsatellite.
Coding change: c.1419GAA[1] on transcript NM_006227.4 (MANE Select); one copy of the 3-base unit GAA starting at c.1419; the reference has two copies in a row; one copy, 3 bases deleted.
Protein change: p.Lys474del; deletes lysine 474.
Molecular consequence: inframe deletion.
Genome position (GRCh38, 1-based): chr20:45,898,999-45,899,001, TTC deleted on the plus strand (GAA on the coding strand, the reverse complement: PLTP is on the minus strand); deleting any 3 consecutive bases within chr20:45,898,999-45,899,005 gives the same sequence; the position shown is the placement nearest the transcript's 3' end. VCF-style (leftmost placement, unchanged base first): chr20-45898998-GTTC-G. GRCh37 (hg19) VCF-style: chr20-44527637-GTTC-G.
Other names: c.1134GAA[1], p.Lys379del (NM_001242920.2); c.1155GAA[1], p.Lys386del (NM_001242921.1); c.1263GAA[1], p.Lys422del (NM_182676.3); short protein forms K474del, K379del, K386del, K422del.
Identifiers: ClinVar variation 1930299 (VCV001930299.5), dbSNP rs2083145850, ClinGen allele CA1017933271.